The following is an entry in ClinVar:

ClinVar aggregate classification (germline): Uncertain significance (1 of 4 stars; one submission).

Conditions:
Inborn genetic diseases. Identifiers: MedGen C0950123, MeSH D030342.

Submission:

Ambry Genetics
Classification: Uncertain significance for Inborn genetic diseases. Last evaluated: 2025-02-26. Review status: criteria provided, single submitter. Criteria: Ambry Variant Classification Scheme 2023. Collection method: clinical testing. Allele origin: germline.
Comment: The p.G1178V variant (also known as c.3533G>T), located in coding exon 21 of the RECQL4 gene, results from a G to T substitution at nucleotide position 3533. The glycine at codon 1178 is replaced by valine, an amino acid with dissimilar properties. This amino acid position is conserved. In addition, the in silico prediction for this alteration is inconclusive. Based on the available evidence, the clinical significance of this variant remains unclear.

NM_004260.4(RECQL4):c.3533G>T (p.Gly1178Val)

Gene: RECQL4 (RecQ like helicase 4; minus strand). Cytogenetic location: 8q24.3.
Variant type: single nucleotide variant.
Coding change: c.3533G>T on transcript NM_004260.4 (MANE Select); coding-DNA position 3533, G replaced by T.
Protein change: p.Gly1178Val; replaces glycine 1178 with valine.
Molecular consequence: missense variant. On other transcripts: non-coding transcript variant (3).
Genome position (GRCh38, 1-based): chr8:144,511,525, C>A on the plus strand (G>T on the coding strand, the complement: RECQL4 is on the minus strand). VCF-style: chr8-144511525-C-A. GRCh37 (hg19) VCF-style: chr8-145736908-C-A.
Other names: c.3239G>T, p.Gly1080Val (NM_001413017.1); c.3335G>T, p.Gly1112Val (NM_001413018.1); c.3608G>T, p.Gly1203Val (NM_001413019.1); c.3437G>T, p.Gly1146Val (NM_001413020.1); c.2462G>T, p.Gly821Val (NM_001413021.1, NM_001413022.1, NM_001413024.1 and 4 more transcripts); c.2537G>T, p.Gly846Val (NM_001413023.1); c.3404G>T, p.Gly1135Val (NM_001413025.1); c.2396G>T, p.Gly799Val (NM_001413027.1, NM_001413030.1, NM_001413032.1); and 9 more; short protein forms G1135V, G1146V, G1178V, G1181V, G689V, G799V, G811V, G1080V.
Identifiers: ClinVar variation 2587982 (VCV002587982.3), dbSNP rs1827189895, ClinGen allele CA372666029.